The following is an entry in ClinVar:

NM_001048174.2(MUTYH):c.602G>A (p.Gly201Asp)

Gene: MUTYH (mutY DNA glycosylase; minus strand). Cytogenetic location: 1p34.1.
Variant type: single nucleotide variant.
Coding change: c.602G>A on transcript NM_001048174.2 (MANE Select); coding-DNA position 602, G replaced by A.
Protein change: p.Gly201Asp; replaces glycine 201 with aspartic acid.
Molecular consequence: missense variant. On other transcripts: non-coding transcript variant (2).
Genome position (GRCh38, 1-based): chr1:45,332,578, C>T on the plus strand (G>A on the coding strand, the complement: MUTYH is on the minus strand). VCF-style: chr1-45332578-C-T. GRCh37 (hg19) VCF-style: chr1-45798250-C-T.
Other names: c.602G>A, p.Gly201Asp (NM_001048171.2, NM_001048173.2, NM_001293195.2); c.605G>A, p.Gly202Asp (NM_001048172.2); c.686G>A, p.Gly229Asp (NM_001128425.2); c.647G>A, p.Gly216Asp (NM_001293190.2); c.635G>A, p.Gly212Asp (NM_001293191.2); c.326G>A, p.Gly109Asp (NM_001293192.2, NM_001293196.2); c.257G>A, p.Gly86Asp (NM_001350650.2, NM_001350651.2); c.677G>A, p.Gly226Asp (NM_012222.3); short protein forms G229D, G212D, G226D, G86D, G201D, G202D, G216D, G109D.
Identifiers: ClinVar variation 186889 (VCV000186889.30), dbSNP rs752114814, ClinGen allele CA014110.
Genomic context (GRCh38, chr1:45,332,578, plus strand): 5'-GGGCTGGGAGGAAGGAGGCTGGGCACGCACAAAGTGGGGGTGGGCTGTGAGATCACCTGG[C>T]CAAAGGCGATAGAGGCAATGGCCCCAGCTGTGTAGCGCCCCACGCCAGGCAGGAGCTGCT-3'
Protein context (NP_001041639.1, residues 191-211): TAGAIASIAF[Gly201Asp]QATGVVDGNV

ClinVar aggregate classification (germline): Conflicting classifications of pathogenicity. Review status: criteria provided, conflicting classifications (1 of 4 stars). 8 submissions from 8 submitters: Uncertain significance (7); Likely benign (1). Last evaluated 2025-11-11.

Conditions:
Familial adenomatous polyposis 2. Also called: FAP type 2; Adenomas, multiple colorectal; MUTYH Polyposis; MYH-associated polyposis; MUTYH-associated polyposis; MUTYH-related attenuated familial adenomatous polyposis. Identifiers: Orphanet 220460, Orphanet 247798, MedGen C3272841, MONDO:0012041, OMIM 608456.
Gastric cancer. Also called: Stomach cancer; Malignant tumor of stomach. Identifiers: MedGen C0024623, MeSH D013274, MONDO:0001056, OMIM 613659, HP:0012126.
Hereditary cancer-predisposing syndrome. Also called: Tumor predisposition; Neoplastic Syndromes, Hereditary; Hereditary Cancer Syndrome; Hereditary neoplastic syndrome. Identifiers: Orphanet 140162, MedGen C0027672, MeSH D009386, MONDO:0015356.

Allele frequency attached by ClinVar (database versions not stated): TOPMed below 0.00001; gnomAD 0.00001; gnomAD exomes 0.00001 and 0.00002; ExAC 0.00002.

Submissions (8):

Labcorp Genetics (formerly Invitae), Labcorp
Classification: Uncertain significance for Familial adenomatous polyposis 2. Last evaluated: 2025-11-11. Review status: criteria provided, single submitter. Criteria: Invitae Variant Classification Sherloc (09022015). Collection method: clinical testing. Allele origin: germline.
Comment: This sequence change replaces glycine, which is neutral and non-polar, with aspartic acid, which is acidic and polar, at codon 229 of the MUTYH protein (p.Gly229Asp). This variant is present in population databases (rs752114814, gnomAD 0.004%). This variant has not been reported in the literature in individuals affected with MUTYH-related conditions. ClinVar contains an entry for this variant (Variation ID: 186889). An algorithm developed to predict the effect of missense changes on protein structure and function outputs the following: PolyPhen-2: "Benign". The aspartic acid amino acid residue is found in multiple mammalian species, which suggests that this missense change does not adversely affect protein function. In summary, the available evidence is currently insufficient to determine the role of this variant in disease. Therefore, it has been classified as a Variant of Uncertain Significance.

Ambry Genetics
Classification: Likely benign for Hereditary cancer-predisposing syndrome. Last evaluated: 2025-09-16. Review status: criteria provided, single submitter. Criteria: Ambry Variant Classification Scheme 2023. Collection method: clinical testing. Allele origin: germline.

All of Us Research Program, National Institutes of Health
Classification: Uncertain significance for Familial adenomatous polyposis 2. Last evaluated: 2024-09-23. Review status: criteria provided, single submitter. Criteria: ACMG Guidelines, 2015. Collection method: clinical testing. Allele origin: germline. Inheritance: Autosomal recessive inheritance. Observed: 7 variant alleles, 7 heterozygotes.
Comment: This missense variant replaces glycine with aspartic acid at codon 229 of the MUTYH protein. Computational prediction is inconclusive regarding the impact of this variant on protein structure and function (internally defined REVEL score threshold 0.5 < inconclusive < 0.7, PMID: 27666373). To our knowledge, functional studies have not been reported for this variant. In a large international case-control study, this variant was reported in 3/60466 breast cancer cases and 3/53461 controls (PMID: 33471991). This variant has been identified in 5/251340 chromosomes in the general population by the Genome Aggregation Database (gnomAD). The available evidence is insufficient to determine the role of this variant in disease conclusively. Therefore, this variant is classified as a Variant of Uncertain Significance.

This study involves interpretation of variants in research participants for the purpose of population health screening. Participant phenotype was not available at the time of variant classification. Additional details can be found in publication PMID: 35346344, PMCID: PMC8962531

Baylor Genetics
Classification: Uncertain significance for Familial adenomatous polyposis 2. Last evaluated: 2023-08-02. Review status: criteria provided, single submitter. Criteria: ACMG Guidelines, 2015. Collection method: clinical testing. Allele origin: unknown.

Color Diagnostics, LLC DBA Color Health
Classification: Uncertain significance for Hereditary cancer-predisposing syndrome. Last evaluated: 2023-01-18. Review status: criteria provided, single submitter. Criteria: ACMG Guidelines, 2015. Collection method: clinical testing. Allele origin: germline.
Comment: This missense variant replaces glycine with aspartic acid at codon 229 of the MUTYH protein. Computational prediction is inconclusive regarding the impact of this variant on protein structure and function (internally defined REVEL score threshold 0.5 < inconclusive < 0.7, PMID: 27666373). To our knowledge, functional studies have not been reported for this variant. In a large international case-control study, this variant was reported in 3/60466 breast cancer cases and 3/53461 controls (PMID: 33471991). This variant has been identified in 5/251340 chromosomes in the general population by the Genome Aggregation Database (gnomAD). The available evidence is insufficient to determine the role of this variant in disease conclusively. Therefore, this variant is classified as a Variant of Uncertain Significance.

Fulgent Genetics
Classification: Uncertain significance for Familial adenomatous polyposis 2; Gastric cancer. Last evaluated: 2022-03-04. Review status: criteria provided, single submitter. Criteria: ACMG Guidelines, 2015. Collection method: clinical testing. Allele origin: unknown.

Sema4
Classification: Uncertain significance for Hereditary cancer-predisposing syndrome. Last evaluated: 2021-12-28. Review status: criteria provided, single submitter. Criteria: Sema4 Curation Guidelines. Collection method: curation. Allele origin: germline.
Comment: The MUTYH c.686G>A (p.G229D) variant has been reported in 3/60466 breast cancer cases and 3/53461 healthy controls by a large case-control study (PMID: 33471991). It was observed in 4/113712 chromosomes of the Non-Finnish European subpopulation in the large and broad cohorts of the Genome Aggregation Database. The variant has been reported in ClinVar (Variation ID: 186889). Functional studies have not been performed, and in silico predictions of the variant's effect on protein function are inconclusive. The evidence is insufficient to meet ACMG/AMP criteria for classifying the variant as benign or pathogenic. Thus, the clinical significance of this variant is currently uncertain.

GeneDx
Classification: Uncertain significance. Last evaluated: 2019-05-02. Review status: criteria provided, single submitter. Criteria: GeneDx Variant Classification Process June 2021. Collection method: clinical testing. Allele origin: germline. Affected: yes.
Comment: Not observed at a significant frequency in large population cohorts (Lek 2016); Has not been previously published as pathogenic or benign to our knowledge

Literature cited by the submitters: PubMed 33471991 (cited by 3 submitters).